The following is an entry in ClinVar:

NM_006431.3(CCT2):c.830A>G (p.Glu277Gly)

Gene: CCT2 (chaperonin containing TCP1 subunit 2; plus strand). Cytogenetic location: 12q15.
Variant type: single nucleotide variant.
Coding change: c.830A>G on transcript NM_006431.3 (MANE Select); coding-DNA position 830, A replaced by G.
Protein change: p.Glu277Gly; replaces glutamic acid 277 with glycine.
Molecular consequence: missense variant.
Genome position (GRCh38, 1-based): chr12:69,593,055, A>G. VCF-style: chr12-69593055-A-G. GRCh37 (hg19) VCF-style: chr12-69986835-A-G.
Other names: c.689A>G, p.Glu230Gly (NM_001198842.2); short protein forms E230G, E277G.
Identifiers: ClinVar variation 4695902 (VCV004695902.1).

ClinVar aggregate classification (germline): Uncertain significance (1 of 4 stars; one submission).

gnomAD v4.1: 2 of 1,613,660 alleles (0.00012%); highest among the groups gnomAD compares: Admixed American, 0.0033%; no homozygotes.

Submission:

Labcorp Genetics (formerly Invitae), Labcorp
Classification: Uncertain significance. Last evaluated: 2025-11-28. Review status: criteria provided, single submitter. Criteria: Invitae Variant Classification Sherloc (09022015). Collection method: clinical testing. Allele origin: germline.
Comment: This sequence change replaces glutamic acid, which is acidic and polar, with glycine, which is neutral and non-polar, at codon 277 of the CCT2 protein (p.Glu277Gly). This variant is present in population databases (rs765789089, gnomAD 0.006%). This variant has not been reported in the literature in individuals affected with CCT2-related conditions. An algorithm developed to predict the effect of missense changes on protein structure and function (PolyPhen-2) suggests that this variant is likely to be tolerated. In summary, the available evidence is currently insufficient to determine the role of this variant in disease. Therefore, it has been classified as a Variant of Uncertain Significance.